The following is an entry in ClinVar:

ClinVar aggregate classification (germline): Uncertain significance (1 of 4 stars; one submission).

gnomAD v4.1: 1 of 1,613,924 alleles (0.000062%); highest among the groups gnomAD compares: South Asian, 0.0011%; no homozygotes.

Submission:

Ambry Genetics
Classification: Uncertain significance. Last evaluated: 2024-11-09. Review status: criteria provided, single submitter. Criteria: Ambry Variant Classification Scheme 2023. Collection method: clinical testing. Allele origin: germline.
Comment: The p.G977D variant (also known as c.2930G>A), located in coding exon 26 of the KIF1B gene, results from a G to A substitution at nucleotide position 2930. The glycine at codon 977 is replaced by aspartic acid, an amino acid with similar properties. This amino acid position is conserved. In addition, this alteration is predicted to be deleterious by in silico analysis. Based on the available evidence, the clinical significance of this variant remains unclear.

NM_001365951.3(KIF1B):c.3068G>A (p.Gly1023Asp)

Gene: KIF1B (kinesin family member 1B; plus strand). Cytogenetic location: 1p36.22.
Variant type: single nucleotide variant.
Coding change: c.3068G>A on transcript NM_001365951.3 (MANE Select); coding-DNA position 3068, G replaced by A.
Protein change: p.Gly1023Asp; replaces glycine 1023 with aspartic acid.
Molecular consequence: missense variant.
Genome position (GRCh38, 1-based): chr1:10,336,681, G>A. VCF-style: chr1-10336681-G-A. GRCh37 (hg19) VCF-style: chr1-10396739-G-A.
Other names: c.3068G>A, p.Gly1023Asp (NM_001365952.1); c.2930G>A, p.Gly977Asp (NM_015074.3); short protein forms G977D, G1023D.
Identifiers: ClinVar variation 3534075 (VCV003534075.1).